The following is an entry in ClinVar:

NM_020699.4(GATAD2B):c.894dup (p.Gln299fs)

Gene: GATAD2B (GATA zinc finger domain containing 2B; minus strand). Cytogenetic location: 1q21.3.
Variant type: Duplication.
Coding change: c.894dup on transcript NM_020699.4 (MANE Select); coding-DNA position 894, one base duplicated (T; older notation c.894dupT).
Protein change: p.Gln299fs; shifts the reading frame from glutamine 299.
Molecular consequence: frameshift variant.
Genome position (GRCh38, 1-based): chr1:153,817,378, A duplicated on the plus strand (T on the coding strand, the reverse complement: GATAD2B is on the minus strand). VCF-style (leftmost placement, unchanged base first): chr1-153817377-G-GA. GRCh37 (hg19) VCF-style: chr1-153789853-G-GA.
Other names: short protein forms Q299fs.
Identifiers: ClinVar variation 4813818 (VCV004813818.1).

ClinVar aggregate classification (germline): Likely pathogenic (1 of 4 stars; one submission).

Conditions:
Severe intellectual disability-poor language-strabismus-grimacing face-long fingers syndrome (GAND). Also called: GAND SYNDROME. Identifiers: Orphanet 363686, MedGen C3554448, MONDO:0014034, OMIM 615074.

Submission:

Variantyx, Inc.
Classification: Likely pathogenic for Severe intellectual disability-poor language-strabismus-grimacing face-long fingers syndrome. Last evaluated: 2025-05-19. Review status: criteria provided, single submitter. Criteria: Variantyx Assertion Criteria 2022. Collection method: clinical testing. Allele origin: germline. Inheritance: Autosomal dominant inheritance. Affected: yes.
Comment: This is a frameshift variant in the GATAD2B gene (OMIM: 614998). Pathogenic variants in this gene have been associated with autosomal dominant GAND syndrome. This variant introduces a premature termination codon in exon 6 out of 11 and is expected to result in loss of function, which is a known disease mechanism for GATAD2B in this disorder (PMID: 31949314) (PVS1). This variant is absent from control populations (PM2) and it has not been reported in individuals with GATAD2B-related disorders in the databases available for review. Based on the current evidence, this variant is classified as likely pathogenic for autosomal dominant GAND syndrome.

Literature cited by the submitters: PubMed 31949314.